The following is an entry in ClinVar:

NC_000017.10:g.(?_29557300)_(29559486_?)del

Gene: NF1 (neurofibromin 1; plus strand). Cytogenetic location: 17q11.2.
Variant type: Deletion.
Identifiers: ClinVar variation 3242907 (VCV003242907.1).

ClinVar aggregate classification (germline): Likely pathogenic (1 of 4 stars; one submission).

Conditions:
Neurofibromatosis, type 1 (NF1). Also called: VON RECKLINGHAUSEN DISEASE; Neurofibromatosis, type I; Peripheral type neurofibromatosis; NEUROFIBROMATOSIS, TYPE I, SOMATIC. Identifiers: Orphanet 636, MedGen C0027831, MONDO:0018975, OMIM 162200. Disease mechanism: loss of function.

Submission:

Labcorp Genetics (formerly Invitae), Labcorp
Classification: Likely pathogenic for Neurofibromatosis, type 1. Last evaluated: 2019-12-04. Review status: criteria provided, single submitter. Criteria: Invitae Variant Classification Sherloc (09022015). Collection method: clinical testing. Allele origin: unknown.
Comment: In summary, the currently available evidence indicates that the variant is pathogenic, but additional data are needed to prove that conclusively. Therefore, this variant has been classified as Likely Pathogenic. Loss-of-function variants in NF1 are known to be pathogenic (PMID: 10712197, 23913538). This variant has not been reported in the literature in individuals with NF1-related conditions. This variant results in the deletion of exon(s) 24-25 and part of exon 23 (c.3013_3315-232del) of the NF1 gene. It is expected to disrupt RNA splicing and likely results in an absent or disrupted protein product.

Literature cited by the submitters: PubMed 10712197; PubMed 23913538.